The following is an entry in ClinVar:

NM_152383.5(DIS3L2):c.160A>G (p.Met54Val)

Gene: DIS3L2 (DIS3 like 3'-5' exoribonuclease 2; plus strand). Cytogenetic location: 2q37.1.
Variant type: single nucleotide variant.
Coding change: c.160A>G on transcript NM_152383.5 (MANE Select); coding-DNA position 160, A replaced by G.
Protein change: p.Met54Val; replaces methionine 54 with valine.
Molecular consequence: missense variant. On other transcripts: non-coding transcript variant (2).
Genome position (GRCh38, 1-based): chr2:232,015,621, A>G. VCF-style: chr2-232015621-A-G. GRCh37 (hg19) VCF-style: chr2-232880331-A-G.
Other names: c.160A>G, p.Met54Val (NM_001257281.2, NM_001257282.2); short protein forms M54V.
Identifiers: ClinVar variation 837187 (VCV000837187.9), dbSNP rs530571890, ClinGen allele CA2163734.

ClinVar aggregate classification (germline): Uncertain significance (1 of 4 stars; one submission).

Conditions:
Perlman syndrome (PRLMNS). Identifiers: Orphanet 2849, MedGen C0796113, MONDO:0009965, OMIM 267000.

Allele frequency attached by ClinVar (database versions not stated): gnomAD 0.00001; gnomAD exomes 0.00001; TOPMed 0.00001; ExAC 0.00002.
gnomAD v4.1: 16 of 1,613,924 alleles (0.00099%); highest among the groups gnomAD compares: African/African-American, 0.0027%; no homozygotes.

Submission:

Labcorp Genetics (formerly Invitae), Labcorp
Classification: Uncertain significance for Perlman syndrome. Last evaluated: 2024-11-02. Review status: criteria provided, single submitter. Criteria: Invitae Variant Classification Sherloc (09022015). Collection method: clinical testing. Allele origin: germline.
Comment: This sequence change replaces methionine, which is neutral and non-polar, with valine, which is neutral and non-polar, at codon 54 of the DIS3L2 protein (p.Met54Val). This variant is present in population databases (rs530571890, gnomAD 0.003%). This variant has not been reported in the literature in individuals affected with DIS3L2-related conditions. ClinVar contains an entry for this variant (Variation ID: 837187). An algorithm developed to predict the effect of missense changes on protein structure and function (PolyPhen-2) suggests that this variant is likely to be tolerated. In summary, the available evidence is currently insufficient to determine the role of this variant in disease. Therefore, it has been classified as a Variant of Uncertain Significance.